The following is an entry in ClinVar:

NM_000484.4(APP):c.2106C>G (p.Ile702Met)

Gene: APP (amyloid beta precursor protein; minus strand). Cytogenetic location: 21q21.3.
Variant type: single nucleotide variant.
Coding change: c.2106C>G on transcript NM_000484.4 (MANE Select); coding-DNA position 2106, C replaced by G.
Protein change: p.Ile702Met; replaces isoleucine 702 with methionine.
Molecular consequence: missense variant.
Genome position (GRCh38, 1-based): chr21:25,891,827, G>C on the plus strand (C>G on the coding strand, the complement: APP is on the minus strand). VCF-style: chr21-25891827-G-C. GRCh37 (hg19) VCF-style: chr21-27264139-G-C.
Other names: c.2034C>G, p.Ile678Met (NM_001136016.3); c.1713C>G, p.Ile571Met (NM_001136129.3); c.1938C>G, p.Ile646Met (NM_001136130.3, NM_001385253.1); c.1776C>G, p.Ile592Met (NM_001136131.3); c.2052C>G, p.Ile684Met (NM_001204301.2); c.1995C>G, p.Ile665Met (NM_001204302.2); c.1827C>G, p.Ile609Met (NM_001204303.2); c.2049C>G, p.Ile683Met (NM_201413.3); and 1 more; short protein forms I678M, I627M, I646M, I571M, I609M, I683M, I684M, I592M.
Identifiers: ClinVar variation 1912162 (VCV001912162.5), dbSNP rs2517002686, ClinGen allele CA409805627.

ClinVar aggregate classification (germline): Uncertain significance (1 of 4 stars; one submission).

Conditions:
Alzheimer disease. Also called: Presenile and senile dementia; Alzheimer's disease. Identifiers: Orphanet 1020, MedGen C0002395, MeSH D000544, MONDO:0004975, HP:0002511.

Allele frequency attached by ClinVar (database versions not stated): gnomAD exomes below 0.00001.

Submission:

Labcorp Genetics (formerly Invitae), Labcorp
Classification: Uncertain significance for Alzheimer disease. Last evaluated: 2025-09-06. Review status: criteria provided, single submitter. Criteria: Invitae Variant Classification Sherloc (09022015). Collection method: clinical testing. Allele origin: germline.
Comment: This sequence change replaces isoleucine, which is neutral and non-polar, with methionine, which is neutral and non-polar, at codon 702 of the APP protein (p.Ile702Met). This variant is not present in population databases (gnomAD no frequency). This variant has not been reported in the literature in individuals affected with APP-related conditions. ClinVar contains an entry for this variant (Variation ID: 1912162). Invitae Evidence Modeling of protein sequence and biophysical properties (such as structural, functional, and spatial information, amino acid conservation, physicochemical variation, residue mobility, and thermodynamic stability) has been performed for this missense variant. However, the output from this modeling did not meet the statistical confidence thresholds required to predict the impact of this variant on APP protein function. In summary, the available evidence is currently insufficient to determine the role of this variant in disease. Therefore, it has been classified as a Variant of Uncertain Significance.